The following is an entry in ClinVar:

ClinVar aggregate classification (germline): Uncertain significance (1 of 4 stars; one submission).

Allele frequency attached by ClinVar (database versions not stated): gnomAD exomes below 0.00001.
gnomAD v4.1: 2 of 1,613,390 alleles (0.00012%); highest among the groups gnomAD compares: Non-Finnish European, 0.00017%; no homozygotes.

Submission:

Labcorp Genetics (formerly Invitae), Labcorp
Classification: Uncertain significance. Last evaluated: 2022-08-31. Review status: criteria provided, single submitter. Criteria: Invitae Variant Classification Sherloc (09022015). Collection method: clinical testing. Allele origin: germline.
Comment: In summary, the available evidence is currently insufficient to determine the role of this variant in disease. Therefore, it has been classified as a Variant of Uncertain Significance. Variants that disrupt the consensus splice site are a relatively common cause of aberrant splicing (PMID: 17576681, 9536098). Algorithms developed to predict the effect of sequence changes on RNA splicing suggest that this variant may disrupt the consensus splice site. This variant has not been reported in the literature in individuals affected with DLC1-related conditions. This variant is not present in population databases (gnomAD no frequency). This sequence change falls in intron 4 of the DLC1 gene. It does not directly change the encoded amino acid sequence of the DLC1 protein. It affects a nucleotide within the consensus splice site.

Literature cited by the submitters: PubMed 17576681; PubMed 9536098.

NM_182643.3(DLC1):c.1314+4A>T

Gene: DLC1 (DLC1 Rho GTPase activating protein; minus strand). Cytogenetic location: 8p22.
Variant type: single nucleotide variant.
Coding change: c.1314+4A>T on transcript NM_182643.3 (MANE Select); 4 bases into the intron after coding-DNA position 1314, A replaced by T.
Molecular consequence: intron variant.
Genome position (GRCh38, 1-based): chr8:13,393,549, T>A on the plus strand (A>T on the coding strand, the complement: DLC1 is on the minus strand). VCF-style: chr8-13393549-T-A. GRCh37 (hg19) VCF-style: chr8-13251058-T-A.
Other names: c.-138+4A>T (NM_001348082.2); c.1314+4A>T (NM_001348081.2, NM_024767.5).
Identifiers: ClinVar variation 2190453 (VCV002190453.4), dbSNP rs2486761902, ClinGen allele CA2580078008.